The following is an entry in ClinVar:

ClinVar aggregate classification (germline): Benign/Likely benign. Review status: criteria provided, multiple submitters, no conflicts (2 of 4 stars). 3 submissions from 3 submitters: Benign (1); Likely benign (2). Last evaluated 2025-09-27.

Conditions:
Hereditary cancer-predisposing syndrome. Also called: Tumor predisposition; Neoplastic Syndromes, Hereditary; Hereditary Cancer Syndrome; Hereditary neoplastic syndrome. Identifiers: Orphanet 140162, MedGen C0027672, MeSH D009386, MONDO:0015356.
POLD1-related polyposis and colorectal cancer syndrome (CRCS10). Also called: Colorectal cancer 10; COLORECTAL CANCER, SUSCEPTIBILITY TO, ON CHROMOSOME 19q; Colorectal cancer, susceptibility to, 10. Identifiers: Orphanet 220460, MedGen C2675481, MONDO:0012953, OMIM 612591.

Allele frequency attached by ClinVar (database versions not stated): gnomAD 0.00002; TOPMed 0.00004.

Submissions (3):

Labcorp Genetics (formerly Invitae), Labcorp
Classification: Likely benign for POLD1-related polyposis and colorectal cancer syndrome. Last evaluated: 2025-09-27. Review status: criteria provided, single submitter. Criteria: Invitae Variant Classification Sherloc (09022015). Collection method: clinical testing. Allele origin: germline.

Myriad Genetics, Inc.
Classification: Benign for POLD1-related polyposis and colorectal cancer syndrome. Last evaluated: 2025-02-04. Review status: criteria provided, single submitter. Criteria: Myriad Autosomal Dominant, Autosomal Recessive and X-Linked Classification Criteria (2023). Collection method: clinical testing. Allele origin: unknown.
Comment: This variant is considered benign. This variant is a silent/synonymous amino acid change and it is not expected to impact splicing.

Ambry Genetics
Classification: Likely benign for Hereditary cancer-predisposing syndrome. Last evaluated: 2020-03-05. Review status: criteria provided, single submitter. Criteria: Ambry Variant Classification Scheme 2023. Collection method: clinical testing. Allele origin: germline.

NM_002691.4(POLD1):c.858G>A (p.Leu286=)

Gene: POLD1 (DNA polymerase delta 1, catalytic subunit; plus strand). Cytogenetic location: 19q13.33.
Variant type: single nucleotide variant.
Coding change: c.858G>A on transcript NM_002691.4 (MANE Select); coding-DNA position 858, G replaced by A.
Protein change: p.Leu286=; no amino-acid change (leucine 286 retained).
Molecular consequence: synonymous variant. On other transcripts: non-coding transcript variant (1).
Genome position (GRCh38, 1-based): chr19:50,402,629, G>A. VCF-style: chr19-50402629-G-A. GRCh37 (hg19) VCF-style: chr19-50905886-G-A.
Other names: c.858G>A, p.Leu286= (NM_001256849.1, NM_001308632.1).
Identifiers: ClinVar variation 537142 (VCV000537142.13), dbSNP rs998991716, ClinGen allele CA309601268.